The following is an entry in ClinVar:

ClinVar aggregate classification (germline): Conflicting classifications of pathogenicity. Review status: criteria provided, conflicting classifications (1 of 4 stars). 3 submissions from 3 submitters: Likely pathogenic (2); Uncertain significance (1). Last evaluated 2026-07-02.

Conditions:
Cleidocranial dysostosis (CLCD1). Also called: Cleidocranial Dysplasia Spectrum Disorder; cleidocranial dysplasia 1; Marie-Sainton disease. Identifiers: Orphanet 1452, MedGen C0008928, MONDO:0007340, OMIM 119600.
RUNX2-related disorder. Also called: RUNX2-related condition.

Submissions (3):

Victorian Clinical Genetics Services, Murdoch Childrens Research Institute
Classification: Likely pathogenic for Cleidocranial dysostosis. Last evaluated: 2026-07-02. Review status: criteria provided, single submitter. Criteria: ACMG Guidelines, 2015. Collection method: clinical testing. Allele origin: germline. Affected: yes.
Comment: This variant is classified as Likely pathogenic. Evidence in support of pathogenic classification: Variant is absent from gnomAD (v2, v3 and v4); This variant has moderate previous evidence of pathogenicity in unrelated individuals. This variant has been reported in a family with cleidocranial dysplasia (PMID: 34779963), and shown to be de novo in another individual with cleidocranial dysplasia (PMID: 38386321). This variant was also classified as a VUS by a clinical laboratory in ClinVar; Missense variant predicted to be damaging by in silico tool(s) or highly conserved with a major amino acid change. Additional information: Variant is predicted to result in a missense amino acid change from Ser to Trp; This variant is heterozygous; This gene is associated with autosomal dominant disease. - Alternative amino acid change(s) at the same position are present in gnomAD (highest allele count: v4: 3 heterozygote(s), 0 homozygote(s)); Segregation evidence for this variant is inconclusive. This variant segregated with disease in a parent and two siblings with cleidocranial dysplasia, however, more segregation evidence is required to apply pathogenic weight (PMID: 34779963); No published functional evidence has been identified for this variant; No comparable missense variants have previous evidence for pathogenicity; Variant is located in the annotated Runt domain (DECIPHER); Loss of function and gain of function are known mechanisms of disease in this gene and are associated with cleidocranial dysplasia (MIM#119600), and metaphyseal dysplasia with maxillary hypoplasia with or without brachydactyly (MIM#156510), respectively (PMID: 29891876; PMID: 23290074); Variants in this gene are known to have variable expressivity in individuals with cleidocranial dysplasia (PMID:16222673); Inheritance information for this variant is not currently available in this individual.

Blueprint Genetics
Classification: Likely pathogenic for RUNX2-related disorders. Last evaluated: 2022-08-15. Review status: criteria provided, single submitter. Criteria: ACMG Guidelines, 2015. Collection method: clinical testing. Allele origin: germline. Affected: yes. Observed: 3 variant alleles.

Labcorp Genetics (formerly Invitae), Labcorp
Classification: Uncertain significance. Last evaluated: 2022-05-28. Review status: criteria provided, single submitter. Criteria: Invitae Variant Classification Sherloc (09022015). Collection method: clinical testing. Allele origin: germline.
Comment: This sequence change replaces serine, which is neutral and polar, with tryptophan, which is neutral and slightly polar, at codon 124 of the RUNX2 protein (p.Ser124Trp). This variant is not present in population databases (gnomAD no frequency). This variant has not been reported in the literature in individuals affected with RUNX2-related conditions. ClinVar contains an entry for this variant (Variation ID: 1010388). Algorithms developed to predict the effect of missense changes on protein structure and function are either unavailable or do not agree on the potential impact of this missense change (SIFT: "Deleterious"; PolyPhen-2: "Probably Damaging"; Align-GVGD: "Class C0"). In summary, the available evidence is currently insufficient to determine the role of this variant in disease. Therefore, it has been classified as a Variant of Uncertain Significance.

Literature cited by the submitters: PubMed 38386321 (cited by Victorian Clinical Genetics Services, Murdoch Childrens Research Institute); PubMed 23290074 (cited by Victorian Clinical Genetics Services, Murdoch Childrens Research Institute); PubMed 34779963 (cited by Victorian Clinical Genetics Services, Murdoch Childrens Research Institute); PubMed 16222673 (cited by Victorian Clinical Genetics Services, Murdoch Childrens Research Institute); PubMed 29891876 (cited by Victorian Clinical Genetics Services, Murdoch Childrens Research Institute).

NM_001024630.4(RUNX2):c.371C>G (p.Ser124Trp)

Gene: RUNX2 (RUNX family transcription factor 2; plus strand). Cytogenetic location: 6p21.1.
Variant type: single nucleotide variant.
Coding change: c.371C>G on transcript NM_001024630.4 (MANE Select); coding-DNA position 371, C replaced by G.
Protein change: p.Ser124Trp; replaces serine 124 with tryptophan.
Molecular consequence: missense variant.
Genome position (GRCh38, 1-based): chr6:45,422,905, C>G. VCF-style: chr6-45422905-C-G. GRCh37 (hg19) VCF-style: chr6-45390642-C-G.
Other names: c.371C>G, p.Ser124Trp (NM_001015051.4); c.329C>G, p.Ser110Trp (NM_001278478.2, NM_001369405.1); short protein forms S110W, S124W.
Identifiers: ClinVar variation 1010388 (VCV001010388.12), dbSNP rs1582095109, ClinGen allele CA363958582.